The following is an entry in ClinVar:

NM_001005361.3(DNM2):c.2477C>T (p.Pro826Leu)

Gene: DNM2 (dynamin 2; plus strand). Cytogenetic location: 19p13.2.
Variant type: single nucleotide variant.
Coding change: c.2477C>T on transcript NM_001005361.3 (MANE Select); coding-DNA position 2477, C replaced by T.
Protein change: p.Pro826Leu; replaces proline 826 with leucine.
Molecular consequence: missense variant.
Genome position (GRCh38, 1-based): chr19:10,830,312, C>T. VCF-style: chr19-10830312-C-T. GRCh37 (hg19) VCF-style: chr19-10940988-C-T.
Other names: c.2477C>T, p.Pro826Leu (NM_001005360.3, NM_001190716.2); c.2465C>T, p.Pro822Leu (NM_001005362.3, NM_004945.4); short protein forms P826L, P822L.
Identifiers: ClinVar variation 3730039 (VCV003730039.2).

ClinVar aggregate classification (germline): Uncertain significance (1 of 4 stars; one submission).

Conditions:
Charcot-Marie-Tooth disease dominant intermediate B (CMTDIB). Also called: CHARCOT-MARIE-TOOTH NEUROPATHY, DOMINANT INTERMEDIATE B; Charcot-Marie-Tooth disease dominant intermediate 1; CMT DI1; Charcot-Marie-Tooth disease dominant intermediate I. Identifiers: Orphanet 100044, Orphanet 228179, MedGen C1847902, MONDO:0011674, OMIM 606482.

gnomAD v4.1: 3 of 1,613,700 alleles (0.00019%); highest among the groups gnomAD compares: Non-Finnish European, 0.00025%; no homozygotes.

Submission:

Labcorp Genetics (formerly Invitae), Labcorp
Classification: Uncertain significance for Charcot-Marie-Tooth disease dominant intermediate B. Last evaluated: 2024-05-10. Review status: criteria provided, single submitter. Criteria: Invitae Variant Classification Sherloc (09022015). Collection method: clinical testing. Allele origin: germline.
Comment: This sequence change replaces proline, which is neutral and non-polar, with leucine, which is neutral and non-polar, at codon 826 of the DNM2 protein (p.Pro826Leu). This variant is not present in population databases (gnomAD no frequency). This variant has not been reported in the literature in individuals affected with DNM2-related conditions. Algorithms developed to predict the effect of missense changes on protein structure and function output the following: SIFT: "Not Available"; PolyPhen-2: "Benign"; Align-GVGD: "Not Available". The leucine amino acid residue is found in multiple mammalian species, which suggests that this missense change does not adversely affect protein function. In summary, the available evidence is currently insufficient to determine the role of this variant in disease. Therefore, it has been classified as a Variant of Uncertain Significance.